The following is an entry in ClinVar:

NM_000176.3(NR3C1):c.*3153C>T

Gene: NR3C1 (nuclear receptor subfamily 3 group C member 1; minus strand). Cytogenetic location: 5q31.3.
Variant type: single nucleotide variant.
Coding change: c.*3153C>T on transcript NM_000176.3 (MANE Select); 3153 bases downstream of the stop codon, C replaced by T.
Molecular consequence: 3 prime UTR variant. On other transcripts: non-coding transcript variant (1).
Genome position (GRCh38, 1-based): chr5:143,278,736, G>A on the plus strand (C>T on the coding strand, the complement: NR3C1 is on the minus strand). VCF-style: chr5-143278736-G-A. GRCh37 (hg19) VCF-style: chr5-142658301-G-A.
Other names: c.*3153C>T (NM_001018074.1, NM_001018075.1, NM_001018076.2 and 15 more transcripts); c.*628C>T (NM_001020825.2).
Identifiers: ClinVar variation 351322 (VCV000351322.5), dbSNP rs2301177, ClinGen allele CA10623044.

ClinVar aggregate classification (germline): Likely benign (1 of 4 stars; one submission).

Conditions:
Glucocorticoid resistance. Also called: Gccr deficiency; Glucocorticoid receptor deficiency; Cortisol resistance from glucocorticoid receptor defect; Gcr deficiency; Glucocorticoid resistance, generalized. Identifiers: Orphanet 786, MedGen C1841972, MONDO:0014421, OMIM 615962.

Allele frequency attached by ClinVar (database versions not stated): gnomAD 0.00061 and 0.00098; TOPMed 0.00094; 1000 Genomes Project 30x 0.00593; 1000 Genomes Project 0.00619.

Submission:

Illumina Laboratory Services, Illumina
Classification: Likely benign for Glucocorticoid resistance. Last evaluated: 2018-01-13. Review status: criteria provided, single submitter. Criteria: ICSL Variant Classification Criteria 13 December 2019. Collection method: clinical testing. Allele origin: germline.
Comment: This variant was observed in the ICSL laboratory as part of a predisposition screen in an ostensibly healthy population. It had not been previously curated by ICSL or reported in the Human Gene Mutation Database (HGMD: prior to June 1st, 2018), and was therefore a candidate for classification through an automated scoring system. Utilizing variant allele frequency, disease prevalence and penetrance estimates, and inheritance mode, an automated score was calculated to assess if this variant is too frequent to cause the disease. Based on the score and internal cut-off values, a variant classified as likely benign is not then subjected to further curation. The score for this variant resulted in a classification of likely benign for this disease.